The following is an entry in ClinVar:

ClinVar aggregate classification (germline): Uncertain significance (1 of 4 stars; one submission).

Conditions:
Familial sleep-related hypermotor epilepsy. Also called: Autosomal Dominant Sleep-Related Hypermotor (Hyperkinetic) Epilepsy. Identifiers: Orphanet 98784, MedGen C3696898, MONDO:0000030.

Submission:

Labcorp Genetics (formerly Invitae), Labcorp
Classification: Uncertain significance. Last evaluated: 2022-03-19. Review status: criteria provided, single submitter. Criteria: Invitae Variant Classification Sherloc (09022015). Collection method: clinical testing. Allele origin: germline.
Comment: This variant is present in population databases (no rsID available, gnomAD 0.0009%). This sequence change replaces glutamic acid, which is acidic and polar, with glycine, which is neutral and non-polar, at codon 471 of the CHRNA2 protein (p.Glu471Gly). In summary, the available evidence is currently insufficient to determine the role of this variant in disease. Therefore, it has been classified as a Variant of Uncertain Significance. Advanced modeling of protein sequence and biophysical properties (such as structural, functional, and spatial information, amino acid conservation, physicochemical variation, residue mobility, and thermodynamic stability) performed at Invitae indicates that this missense variant is not expected to disrupt CHRNA2 protein function. This variant has not been reported in the literature in individuals affected with CHRNA2-related conditions.

NM_000742.4(CHRNA2):c.1412A>G (p.Glu471Gly)

Gene: CHRNA2 (cholinergic receptor nicotinic alpha 2 subunit; minus strand). Cytogenetic location: 8p21.2.
Variant type: single nucleotide variant.
Coding change: c.1412A>G on transcript NM_000742.4 (MANE Select); coding-DNA position 1412, A replaced by G.
Protein change: p.Glu471Gly; replaces glutamic acid 471 with glycine.
Molecular consequence: missense variant.
Genome position (GRCh38, 1-based): chr8:27,463,031, T>C on the plus strand (A>G on the coding strand, the complement: CHRNA2 is on the minus strand). VCF-style: chr8-27463031-T-C. GRCh37 (hg19) VCF-style: chr8-27320548-T-C.
Other names: c.1367A>G, p.Glu456Gly (NM_001282455.2); c.935A>G, p.Glu312Gly (NM_001347705.2, NM_001347706.2); c.818A>G, p.Glu273Gly (NM_001347707.2, NM_001347708.2); short protein forms E471G, E273G, E312G, E456G.
Identifiers: ClinVar variation 1352502 (VCV001352502.8), dbSNP rs963988264, ClinGen allele CA174238409.